The following is an entry in ClinVar:

ClinVar aggregate classification (germline): Uncertain significance. Review status: criteria provided, multiple submitters, no conflicts (2 of 4 stars). 3 submissions from 3 submitters: Uncertain significance (3). Last evaluated 2023-12-17.

Conditions:
Polycystic kidney disease 4 (PKD4). Also called: POLYCYSTIC KIDNEY AND HEPATIC DISEASE 1; POLYCYSTIC KIDNEY DISEASE, INFANTILE, TYPE I; POLYCYSTIC KIDNEY DISEASE 4 WITH OR WITHOUT POLYCYSTIC LIVER DISEASE; Autosomal Recessive Polycystic Kidney Disease – PKHD1; PKD3. Identifiers: MedGen C4540575, MONDO:0033004, OMIM 263200.
Inborn genetic diseases. Identifiers: MedGen C0950123, MeSH D030342.
Autosomal recessive polycystic kidney disease (ARPKD). Also called: AR polycystic kidney disease. Identifiers: Orphanet 731, Orphanet 8378, MedGen C0085548, MeSH D017044, MONDO:0009889.

Submissions (3):

Ambry Genetics
Classification: Uncertain significance for Inborn genetic diseases. Last evaluated: 2023-12-17. Review status: criteria provided, single submitter. Criteria: Ambry Variant Classification Scheme 2023. Collection method: clinical testing. Allele origin: germline.

Fulgent Genetics
Classification: Uncertain significance for Polycystic kidney disease 4. Last evaluated: 2021-07-27. Review status: criteria provided, single submitter. Criteria: ACMG Guidelines, 2015. Collection method: clinical testing. Allele origin: unknown.

Labcorp Genetics (formerly Invitae), Labcorp
Classification: Uncertain significance for Autosomal recessive polycystic kidney disease. Last evaluated: 2020-02-22. Review status: criteria provided, single submitter. Criteria: Invitae Variant Classification Sherloc (09022015). Collection method: clinical testing. Allele origin: germline.
Comment: In summary, the available evidence is currently insufficient to determine the role of this variant in disease. Therefore, it has been classified as a Variant of Uncertain Significance. Algorithms developed to predict the effect of missense changes on protein structure and function are either unavailable or do not agree on the potential impact of this missense change (SIFT: "Deleterious"; PolyPhen-2: "Probably Damaging"; Align-GVGD: "Class C0"). This variant has not been reported in the literature in individuals with PKHD1-related conditions. This variant is not present in population databases (ExAC no frequency). This sequence change replaces serine with phenylalanine at codon 1929 of the PKHD1 protein (p.Ser1929Phe). The serine residue is moderately conserved and there is a large physicochemical difference between serine and phenylalanine.

NM_138694.4(PKHD1):c.5786C>T (p.Ser1929Phe)

Gene: PKHD1 (PKHD1 ciliary IPT domain containing fibrocystin/polyductin; minus strand). Cytogenetic location: 6p12.2.
Variant type: single nucleotide variant.
Coding change: c.5786C>T on transcript NM_138694.4 (MANE Select); coding-DNA position 5786, C replaced by T.
Protein change: p.Ser1929Phe; replaces serine 1929 with phenylalanine.
Molecular consequence: missense variant.
Genome position (GRCh38, 1-based): chr6:51,959,992, G>A on the plus strand (C>T on the coding strand, the complement: PKHD1 is on the minus strand). VCF-style: chr6-51959992-G-A. GRCh37 (hg19) VCF-style: chr6-51824790-G-A.
Other names: c.5786C>T, p.Ser1929Phe (NM_170724.3); c.5786C>T (NM_138694.3); short protein forms S1929F.
Identifiers: ClinVar variation 1037098 (VCV001037098.11), dbSNP rs1791759592, ClinGen allele CA364421700.
Genomic context (GRCh38, chr6:51,959,992, plus strand): 5'-TCCACTGTGACGTTGTCGCCATCTTGTGGCAGCCTTTCAGGAAACCAGCTGTGAGTCCTG[G>A]ACCATCTCCGGCAGAACTGTAAAGAAAAGTTGCCCTGGAAAACAGAGAGCTGGGTTGGTG-3'
Protein context (NP_619639.3, residues 1919-1939): NFSLQFCRRW[Ser1929Phe]RTHSWFPERL